The following is an entry in ClinVar:

NM_000030.3(AGXT):c.-23G>A

Gene: AGXT (alanine--glyoxylate aminotransferase; plus strand). Cytogenetic location: 2q37.3.
Variant type: single nucleotide variant.
Coding change: c.-23G>A on transcript NM_000030.3 (MANE Select); 23 bases upstream of the start codon, G replaced by A.
Molecular consequence: 5 prime UTR variant.
Genome position (GRCh38, 1-based): chr2:240,868,843, G>A. VCF-style: chr2-240868843-G-A. GRCh37 (hg19) VCF-style: chr2-241808260-G-A.
Identifiers: ClinVar variation 335292 (VCV000335292.8), dbSNP rs116057889, ClinGen allele CA2208949.

ClinVar aggregate classification (germline): Benign/Likely benign. Review status: criteria provided, multiple submitters, no conflicts (2 of 4 stars). 3 submissions from 3 submitters: Benign (1); Likely benign (2). Last evaluated 2020-04-09.

Conditions:
Primary hyperoxaluria, type I (HP1). Also called: GLYCOLIC ACIDURIA; HEPATIC AGT DEFICIENCY; OXALOSIS I; Primary hyperoxaluria type 1. Identifiers: Orphanet 416, Orphanet 93598, MedGen C0268164, MONDO:0009823, OMIM 259900. Disease mechanism: loss of function.

Allele frequency attached by ClinVar (database versions not stated): ESP Exome Variant Server 0.01381; TOPMed 0.01488; 1000 Genomes Project 0.01997; 1000 Genomes Project 30x 0.02108.

Submissions (3):

GeneDx
Classification: Likely benign. Last evaluated: 2020-04-09. Review status: criteria provided, single submitter. Criteria: GeneDx Variant Classification Process June 2021. Collection method: clinical testing. Allele origin: germline. Affected: yes.

Illumina Laboratory Services, Illumina
Classification: Benign for Primary hyperoxaluria, type I. Last evaluated: 2018-01-13. Review status: criteria provided, single submitter. Criteria: ICSL Variant Classification Criteria 13 December 2019. Collection method: clinical testing. Allele origin: germline.
Comment: This variant was observed in the ICSL laboratory as part of a predisposition screen in an ostensibly healthy population. It had not been previously curated by ICSL or reported in the Human Gene Mutation Database (HGMD: prior to June 1st, 2018), and was therefore a candidate for classification through an automated scoring system. Utilizing variant allele frequency, disease prevalence and penetrance estimates, and inheritance mode, an automated score was calculated to assess if this variant is too frequent to cause the disease. Based on the score and internal cut-off values, a variant classified as benign is not then subjected to further curation. The score for this variant resulted in a classification of benign for this disease.

Breakthrough Genomics
Classification: Likely benign. Review status: criteria provided, single submitter. Criteria: ACMG Guidelines, 2015. Collection method: not provided. Allele origin: germline. Inheritance: Autosomal recessive inheritance. Affected: yes.